The following is an entry in ClinVar:

NC_000023.10:g.(?_32503016)_(32756908_?)del

Gene: DMD (dystrophin; minus strand). Cytogenetic location: Xp21.1.
Variant type: Deletion.
Identifiers: ClinVar variation 2424851 (VCV002424851.4).

ClinVar aggregate classification (germline): Pathogenic (1 of 4 stars; one submission).

Conditions:
Duchenne muscular dystrophy (DMD). Also called: Duchenne Muscular Dystrophy (DMD); MUSCULAR DYSTROPHY, PSEUDOHYPERTROPHIC PROGRESSIVE, DUCHENNE TYPE. Identifiers: Orphanet 98896, MedGen C0013264, MONDO:0010679, OMIM 310200.

Submission:

Labcorp Genetics (formerly Invitae), Labcorp
Classification: Pathogenic for Duchenne muscular dystrophy. Last evaluated: 2021-12-10. Review status: criteria provided, single submitter. Criteria: Invitae Variant Classification Sherloc (09022015). Collection method: clinical testing. Allele origin: germline.
Comment: This variant is a gross deletion of the genomic region encompassing exon(s) 8-21 of the DMD gene. This variant would be expected to be in-frame, preserving the integrity of the reading frame. A similar copy number variant has been observed in individuals with Duchenne (DMD) and/or Becker (BMD) Muscular Dystrophy (PMID: 17259292, 18752307; Invitae). The region of the DMD gene that includes exon(s) 9-13 has been determined to be clinically significant (PMID: 14641995, 17259292, 18055393, 18752307, 25482253, 28181689). Therefore, deletions that encompass that region are likely to be disease-causing. For these reasons, this variant has been classified as Pathogenic.

Literature cited by the submitters: PubMed 17259292; PubMed 18752307; PubMed 14641995; PubMed 18055393; PubMed 25482253; PubMed 28181689.